The following is an entry in ClinVar:

ClinVar aggregate classification (germline): Likely pathogenic (1 of 4 stars; one submission).

Conditions:
Status epilepticus. Also called: Repeated seizure without recovery. Identifiers: MedGen C0038220, HP:0002133, MONDO:0002125.
Complex febrile seizure. Also called: complex febrile convulsions; Complex febrile convulsion; Complex fever fit; Complex febrile seizures. Identifiers: MedGen C0751057, HP:0011172.
Seizure. Also called: Seizures. Identifiers: MedGen C0036572, HP:0001250.

Submission:

Institute of Human Genetics, University of Leipzig Medical Center
Classification: Likely pathogenic for Seizure; Status epilepticus; Complex febrile seizure. Last evaluated: 2022-08-23. Review status: criteria provided, single submitter. Criteria: ACMG Guidelines, 2015. Collection method: clinical testing. Allele origin: de novo. Affected: yes.
Comment: This variant was identified as de novo (maternity and paternity confirmed)._x000D_ Criteria applied: PVS1_STR, PS2_MOD, PM2_SUP

NM_016333.4(SRRM2):c.6777_6778del (p.Arg2260fs)

Gene: SRRM2 (serine/arginine repetitive matrix 2; plus strand). Cytogenetic location: 16p13.3.
Variant type: Microsatellite.
Coding change: c.6777_6778del on transcript NM_016333.4 (MANE Select); coding-DNA positions 6777 to 6778, 2 bases deleted (TC; older notation c.6777_6778delTC).
Protein change: p.Arg2260fs; shifts the reading frame from arginine 2260.
Molecular consequence: frameshift variant.
Genome position (GRCh38, 1-based): chr16:2,767,305-2,767,306, TC deleted; deleting any 2 consecutive bases within chr16:2,767,302-2,767,306 gives the same sequence; the c. name uses the placement nearest the transcript's 3' end. VCF-style (leftmost placement, unchanged base first): chr16-2767301-ACT-A. GRCh37 (hg19) VCF-style: chr16-2817302-ACT-A.
Other names: short protein forms R2260fs.
Identifiers: ClinVar variation 1707520 (VCV001707520.1), dbSNP rs2505614378, ClinGen allele CA2580613403.